The following is an entry in ClinVar:

NM_000370.3(TTPA):c.837A>G (p.Ter279Trp)

Gene: TTPA (alpha tocopherol transfer protein; minus strand). Cytogenetic location: 8q12.3.
Variant type: single nucleotide variant.
Coding change: c.837A>G on transcript NM_000370.3 (MANE Select); coding-DNA position 837, A replaced by G.
Protein change: p.Ter279Trp.
Molecular consequence: stop lost. On other transcripts: 3 prime UTR variant (2), non-coding transcript variant (3).
Genome position (GRCh38, 1-based): chr8:63,061,252, T>C on the plus strand (A>G on the coding strand, the complement: TTPA is on the minus strand). VCF-style: chr8-63061252-T-C. GRCh37 (hg19) VCF-style: chr8-63973811-T-C.
Other names: c.489A>G, p.Ter163Trp (NM_001413414.1); c.*94A>G (NM_001413415.1); c.*739A>G (NM_001413416.1); c.378A>G, p.Ter126Trp (NM_001413417.1); c.954A>G, p.Ter318Trp (NM_001413418.1).
Identifiers: ClinVar variation 2581653 (VCV002581653.1), dbSNP rs2487134495, ClinGen allele CA371331599.

ClinVar aggregate classification (germline): Uncertain significance (1 of 4 stars; one submission).

Submission:

Women's Health and Genetics/Laboratory Corporation of America, LabCorp
Classification: Uncertain significance. Last evaluated: 2023-08-11. Review status: criteria provided, single submitter. Criteria: LabCorp Variant Classification Summary - May 2015. Collection method: clinical testing. Allele origin: germline.
Comment: Variant summary: TTPA c.837A>G (p.X279TrpextX11) changes the termination codon and is predicted to lead to an extended protein with additional amino acids added to the normal C-terminus. The variant was absent in 250992 control chromosomes. The available data on variant occurrences in the general population are insufficient to allow any conclusion about variant significance. To our knowledge, no occurrence of c.837A>G in individuals affected with Ataxia With Vitamin E Deficiency and no experimental evidence demonstrating its impact on protein function have been reported. No submitters have cited clinical-significance assessments for this variant to ClinVar after 2014. Based on the evidence outlined above, the variant was classified as uncertain significance.